The following is an entry in ClinVar:

ClinVar aggregate classification (germline): Uncertain significance. Review status: criteria provided, multiple submitters, no conflicts (2 of 4 stars). 2 submissions from 2 submitters: Uncertain significance (2). Last evaluated 2024-06-02.

Allele frequency attached by ClinVar (database versions not stated): TOPMed below 0.00001.

Submissions (2):

Ambry Genetics
Classification: Uncertain significance. Last evaluated: 2024-06-02. Review status: criteria provided, single submitter. Criteria: Ambry Variant Classification Scheme 2023. Collection method: clinical testing. Allele origin: germline.

Labcorp Genetics (formerly Invitae), Labcorp
Classification: Uncertain significance. Last evaluated: 2023-08-04. Review status: criteria provided, single submitter. Criteria: Invitae Variant Classification Sherloc (09022015). Collection method: clinical testing. Allele origin: germline.
Comment: In summary, the available evidence is currently insufficient to determine the role of this variant in disease. Therefore, it has been classified as a Variant of Uncertain Significance. An algorithm developed to predict the effect of missense changes on protein structure and function (PolyPhen-2) suggests that this variant is likely to be disruptive. This variant has not been reported in the literature in individuals affected with HYOU1-related conditions. This variant is not present in population databases (gnomAD no frequency). This sequence change replaces serine, which is neutral and polar, with threonine, which is neutral and polar, at codon 572 of the HYOU1 protein (p.Ser572Thr).

NM_006389.5(HYOU1):c.1714T>A (p.Ser572Thr)

Gene: HYOU1 (hypoxia up-regulated 1; minus strand). Cytogenetic location: 11q23.3.
Variant type: single nucleotide variant.
Coding change: c.1714T>A on transcript NM_006389.5 (MANE Select); coding-DNA position 1714, T replaced by A.
Protein change: p.Ser572Thr; replaces serine 572 with threonine.
Molecular consequence: missense variant.
Genome position (GRCh38, 1-based): chr11:119,049,789, A>T on the plus strand (T>A on the coding strand, the complement: HYOU1 is on the minus strand). VCF-style: chr11-119049789-A-T. GRCh37 (hg19) VCF-style: chr11-118920501-A-T.
Other names: c.1714T>A (NM_006389.3); c.1714T>A, p.Ser572Thr (NM_001411041.1, NM_001130991.3); short protein forms S572T.
Identifiers: ClinVar variation 2750127 (VCV002750127.4), dbSNP rs1944313463, ClinGen allele CA382933700.